The following is an entry in ClinVar:

ClinVar aggregate classification (germline): Likely benign. Review status: criteria provided, multiple submitters, no conflicts (2 of 4 stars). 2 submissions from 2 submitters: Likely benign (2). Last evaluated 2018-06-19.

Allele frequency attached by ClinVar (database versions not stated): gnomAD 0.02253 and 0.02297; 1000 Genomes Project 30x 0.00859; 1000 Genomes Project 0.00919; ESP Exome Variant Server 0.02776; TOPMed 0.02041.
gnomAD v4.1: 53,010 of 1,607,770 alleles (3.3%); highest among the groups gnomAD compares: Non-Finnish European, 4%; 1,052 homozygotes.

Submissions (2):

GeneDx
Classification: Likely benign. Last evaluated: 2018-06-19. Review status: criteria provided, single submitter. Criteria: GeneDx Variant Classification (06012015). Collection method: clinical testing. Allele origin: germline. Affected: yes.
Comment: This variant is considered likely benign or benign based on one or more of the following criteria: it is a conservative change, it occurs at a poorly conserved position in the protein, it is predicted to be benign by multiple in silico algorithms, and/or has population frequency not consistent with disease.

Breakthrough Genomics
Classification: Likely benign. Review status: criteria provided, single submitter. Criteria: ACMG Guidelines, 2015. Collection method: not provided. Allele origin: germline. Inheritance: Autosomal dominant inheritance. Affected: yes.

NM_001083962.2(TCF4):c.923-43G>A

Gene: TCF4 (transcription factor 4; minus strand). Cytogenetic location: 18q21.2.
Variant type: single nucleotide variant.
Coding change: c.923-43G>A on transcript NM_001083962.2 (MANE Select); 43 bases into the intron before coding-DNA position 923, G replaced by A.
Molecular consequence: intron variant.
Genome position (GRCh38, 1-based): chr18:55,261,576, C>T on the plus strand (G>A on the coding strand, the complement: TCF4 is on the minus strand). VCF-style: chr18-55261576-C-T. GRCh37 (hg19) VCF-style: chr18-52928807-C-T.
Other names: c.1229-43G>A (NM_001243226.3); c.848-43G>A (NM_001369584.1, NM_001369576.1, NM_001369585.1 and 3 more transcripts); c.851-43G>A (NM_001369577.1, NM_001369582.1, NM_001243227.2 and 9 more transcripts); c.923-43G>A (NM_001369571.1, NM_001369567.1, NM_001369572.1 and 4 more transcripts); c.941-43G>A (NM_001243228.2); c.917-43G>A (NM_001243230.2); c.920-43G>A (NM_001369569.1, NM_001369573.1, NM_001369570.1); c.797-43G>A (NM_001243231.2, NM_001348211.2); and 4 more.
Identifiers: ClinVar variation 670874 (VCV000670874.2), dbSNP rs35918540, ClinGen allele CA8970354.